The following is an entry in ClinVar:

NM_006364.4(SEC23A):c.944A>T (p.Asp315Val)

Gene: SEC23A (SEC23 homolog A, COPII component; minus strand). Cytogenetic location: 14q21.1.
Variant type: single nucleotide variant.
Coding change: c.944A>T on transcript NM_006364.4 (MANE Select); coding-DNA position 944, A replaced by T.
Protein change: p.Asp315Val; replaces aspartic acid 315 with valine.
Molecular consequence: missense variant.
Genome position (GRCh38, 1-based): chr14:39,075,978, T>A on the plus strand (A>T on the coding strand, the complement: SEC23A is on the minus strand). VCF-style: chr14-39075978-T-A. GRCh37 (hg19) VCF-style: chr14-39545182-T-A.
Other names: short protein forms D315V.
Identifiers: ClinVar variation 4857240 (VCV004857240.1).

ClinVar aggregate classification (germline): Uncertain significance (1 of 4 stars; one submission).

Conditions:
Craniolenticulosutural dysplasia (CLSD). Also called: BOYADJIEV-JABS SYNDROME. Identifiers: Orphanet 50814, MedGen C1843042, MONDO:0011911, OMIM 607812.

Submission:

MVZ Medizinische Genetik Mainz
Classification: Uncertain significance for Craniolenticulosutural dysplasia. Last evaluated: 2026-06-03. Review status: criteria provided, single submitter. Criteria: UK Practice Guidelines For Variant Classification V4 01 2020. Collection method: clinical testing. Allele origin: germline. Inheritance: Autosomal dominant inheritance. Observed: 1 variant allele.
Comment: ACMG Criteria: PP3_STR,PM2_SUP